The following is an entry in ClinVar:

ClinVar aggregate classification (germline): Conflicting classifications of pathogenicity. Review status: criteria provided, conflicting classifications (1 of 4 stars). 5 submissions from 5 submitters: Uncertain significance (4); Likely benign (1). Last evaluated 2025-10-09.

Conditions:
Limb-girdle muscular dystrophy due to POMK deficiency. Also called: Muscular dystrophy-dystroglycanopathy (limb-girdle), type c, 12; MUSCULAR DYSTROPHY-DYSTROGLYCANOPATHY, LIMB-GIRDLE, POMK-RELATED. Identifiers: Orphanet 445110, MedGen C4015184, MONDO:0014489, OMIM 616094.
Muscular dystrophy-dystroglycanopathy (congenital with brain and eye anomalies), type a, 12 (MDDGA12). Also called: WALKER-WARBURG SYNDROME OR MUSCLE-EYE-BRAIN DISEASE, POMK-RELATED. Identifiers: Orphanet 899, MedGen C3808964, MONDO:0014101, OMIM 615249.
Inborn genetic diseases. Identifiers: MedGen C0950123, MeSH D030342.

Allele frequency attached by ClinVar (database versions not stated): TOPMed 0.00003; ExAC 0.00004; gnomAD 0.00005; gnomAD exomes 0.00005; ESP Exome Variant Server 0.00008.

Submissions (5):

Labcorp Genetics (formerly Invitae), Labcorp
Classification: Uncertain significance for Muscular dystrophy-dystroglycanopathy (congenital with brain and eye anomalies), type a, 12; Limb-girdle muscular dystrophy due to POMK deficiency. Last evaluated: 2025-10-09. Review status: criteria provided, single submitter. Criteria: Invitae Variant Classification Sherloc (09022015). Collection method: clinical testing. Allele origin: germline.
Comment: This sequence change replaces arginine, which is basic and polar, with cysteine, which is neutral and slightly polar, at codon 86 of the POMK protein (p.Arg86Cys). This variant is present in population databases (rs370978230, gnomAD 0.03%). This variant has not been reported in the literature in individuals affected with POMK-related conditions. ClinVar contains an entry for this variant (Variation ID: 1312144). Invitae Evidence Modeling of protein sequence and biophysical properties (such as structural, functional, and spatial information, amino acid conservation, physicochemical variation, residue mobility, and thermodynamic stability) indicates that this missense variant is not expected to disrupt POMK protein function with a negative predictive value of 80%. In summary, the available evidence is currently insufficient to determine the role of this variant in disease. Therefore, it has been classified as a Variant of Uncertain Significance.

Ambry Genetics
Classification: Uncertain significance for Inborn genetic diseases. Last evaluated: 2025-05-01. Review status: criteria provided, single submitter. Criteria: Ambry Variant Classification Scheme 2023. Collection method: clinical testing. Allele origin: germline.

CeGaT Center for Human Genetics Tuebingen
Classification: Likely benign. Last evaluated: 2023-01-01. Review status: criteria provided, single submitter. Criteria: CeGaT Center For Human Genetics Tuebingen Variant Classification Criteria Version 2. Collection method: clinical testing. Allele origin: germline. Affected: yes. Observed: 1 variant allele.
Comment: POMK: BP4

Revvity Omics, Revvity
Classification: Uncertain significance. Last evaluated: 2022-05-12. Review status: criteria provided, single submitter. Criteria: ACMG Guidelines, 2015. Collection method: clinical testing. Allele origin: germline.

GeneDx
Classification: Uncertain significance. Last evaluated: 2019-09-12. Review status: criteria provided, single submitter. Criteria: GeneDx Variant Classification Process June 2021. Collection method: clinical testing. Allele origin: germline. Affected: yes.
Comment: In silico analysis, which includes protein predictors and evolutionary conservation, supports that this variant does not alter protein structure/function; Has not been previously published as pathogenic or benign to our knowledge

NM_032237.5(POMK):c.256C>T (p.Arg86Cys)

Gene: POMK (protein O-mannose kinase; plus strand). Cytogenetic location: 8p11.21.
Variant type: single nucleotide variant.
Coding change: c.256C>T on transcript NM_032237.5 (MANE Select); coding-DNA position 256, C replaced by T.
Protein change: p.Arg86Cys; replaces arginine 86 with cysteine.
Molecular consequence: missense variant.
Genome position (GRCh38, 1-based): chr8:43,103,804, C>T. VCF-style: chr8-43103804-C-T. GRCh37 (hg19) VCF-style: chr8-42958947-C-T.
Other names: c.256C>T (NM_032237.3); c.256C>T, p.Arg86Cys (NM_001277971.2); short protein forms R86C.
Identifiers: ClinVar variation 1312144 (VCV001312144.32), dbSNP rs370978230, ClinGen allele CA4736230.